The following is an entry in ClinVar:

NM_201384.3(PLEC):c.3973G>T (p.Glu1325Ter)

Gene: PLEC (plectin; minus strand). Cytogenetic location: 8q24.3.
Variant type: single nucleotide variant.
Coding change: c.3973G>T on transcript NM_201384.3 (MANE Select); coding-DNA position 3973, G replaced by T.
Protein change: p.Glu1325Ter; replaces glutamic acid 1325 with a stop codon.
Molecular consequence: nonsense.
Genome position (GRCh38, 1-based): chr8:143,926,855, C>A on the plus strand (G>T on the coding strand, the complement: PLEC is on the minus strand). VCF-style: chr8-143926855-C-A. GRCh37 (hg19) VCF-style: chr8-145001023-C-A.
Other names: c.4054G>T, p.Glu1352Ter (NM_000445.5, NM_001410941.1); c.3931G>T, p.Glu1311Ter (NM_201378.4); c.3907G>T, p.Glu1303Ter (NM_201379.3); c.4384G>T, p.Glu1462Ter (NM_201380.4); c.3877G>T, p.Glu1293Ter (NM_201381.3); c.3973G>T, p.Glu1325Ter (NM_201382.4); c.3985G>T, p.Glu1329Ter (NM_201383.3); short protein forms E1303*, E1293*, E1311*, E1325*, E1329*, E1462*, E1352*.
Identifiers: ClinVar variation 2947743 (VCV002947743.3), dbSNP rs782178037, ClinGen allele CA372563374.

ClinVar aggregate classification (germline): Pathogenic (1 of 4 stars; one submission).

Conditions:
Epidermolysis bullosa simplex with nail dystrophy (EBS5D). Identifiers: MedGen C4225309, MONDO:0014661, OMIM 616487.
Epidermolysis bullosa simplex, Ogna type (EBS5A). Also called: Pidermolysis bullosa simplex 5A, Ogna type; EPIDERMOLYSIS BULLOSA SIMPLEX 5A, OGNA TYPE. Identifiers: Orphanet 79401, MedGen C0432317, MONDO:0007555, OMIM 131950.
Autosomal recessive limb-girdle muscular dystrophy type 2Q (LGMDR17). Also called: MUSCULAR DYSTROPHY, LIMB-GIRDLE, AUTOSOMAL RECESSIVE 17. Identifiers: Orphanet 254361, MedGen C3150989, MONDO:0013390, OMIM 613723.
Epidermolysis bullosa simplex 5B, with muscular dystrophy (EBS5B). Also called: EPIDERMOLYSIS BULLOSA SIMPLEX AND LIMB-GIRDLE MUSCULAR DYSTROPHY; Epidermolysis bullosa simplex with muscular dystrophy. Identifiers: Orphanet 257, MedGen C2931072, MONDO:0009181, OMIM 226670.
Epidermolysis bullosa simplex 5C, with pyloric atresia (EBS5C). Also called: PLEC-Related Epidermolysis Bullosa with Pyloric Atresia; Epidermolysis bullosa simplex with pyloric atresia; PLEC1-Related Epidermolysis Bullosa with Pyloric Atresia. Identifiers: Orphanet 158684, MedGen C2677349, MONDO:0012807, OMIM 612138.

Submission:

Labcorp Genetics (formerly Invitae), Labcorp
Classification: Pathogenic for Autosomal recessive limb-girdle muscular dystrophy type 2Q; Epidermolysis bullosa simplex, Ogna type; Epidermolysis bullosa simplex with nail dystrophy; Epidermolysis bullosa simplex 5C, with pyloric atresia; Epidermolysis bullosa simplex 5B, with muscular dystrophy. Last evaluated: 2023-05-13. Review status: criteria provided, single submitter. Criteria: Invitae Variant Classification Sherloc (09022015). Collection method: clinical testing. Allele origin: germline.
Comment: For these reasons, this variant has been classified as Pathogenic. This variant has not been reported in the literature in individuals affected with PLEC-related conditions. This variant is not present in population databases (gnomAD no frequency). This sequence change creates a premature translational stop signal (p.Glu1352*) in the PLEC gene. It is expected to result in an absent or disrupted protein product. Loss-of-function variants in PLEC are known to be pathogenic (PMID: 20301336, 20447487, 21109228, 23289980, 28824526).

Literature cited by the submitters: PubMed 20301336; PubMed 20447487; PubMed 21109228; PubMed 23289980; PubMed 28824526.